The following is an entry in ClinVar:

NM_003072.5(SMARCA4):c.4709G>C (p.Ser1570Thr)

Gene: SMARCA4 (SWI/SNF related BAF chromatin remodeling complex subunit ATPase 4; plus strand). Cytogenetic location: 19p13.2.
Variant type: single nucleotide variant.
Coding change: c.4709G>C on transcript NM_003072.5 (MANE Select); coding-DNA position 4709, G replaced by C.
Protein change: p.Ser1570Thr; replaces serine 1570 with threonine.
Molecular consequence: missense variant. On other transcripts: non-coding transcript variant (1).
Genome position (GRCh38, 1-based): chr19:11,059,826, G>C. VCF-style: chr19-11059826-G-C. GRCh37 (hg19) VCF-style: chr19-11170502-G-C.
Other names: c.4709G>C, p.Ser1570Thr (NM_001128844.3); c.4619G>C, p.Ser1540Thr (NM_001128845.2); c.4616G>C, p.Ser1539Thr (NM_001128846.2); c.4610G>C, p.Ser1537Thr (NM_001128847.4, NM_001374457.1); c.4607G>C, p.Ser1536Thr (NM_001128848.2); c.4805G>C, p.Ser1602Thr (NM_001128849.3, NM_001387283.1); short protein forms S1602T, S1536T, S1537T, S1539T, S1540T, S1570T.
Identifiers: ClinVar variation 484942 (VCV000484942.6), dbSNP rs966588548, ClinGen allele CA404079509.

ClinVar aggregate classification (germline): Uncertain significance (1 of 4 stars; one submission).

Conditions:
Hereditary cancer-predisposing syndrome. Also called: Neoplastic Syndromes, Hereditary; Tumor predisposition; Hereditary Cancer Syndrome; Hereditary neoplastic syndrome. Identifiers: Orphanet 140162, MedGen C0027672, MeSH D009386, MONDO:0015356.

gnomAD v4.1: 1 of 1,613,522 alleles (0.000062%); no homozygotes.

Submission:

Ambry Genetics
Classification: Uncertain significance for Hereditary cancer-predisposing syndrome. Last evaluated: 2024-11-05. Review status: criteria provided, single submitter. Criteria: Ambry Variant Classification Scheme 2023. Collection method: clinical testing. Allele origin: germline.
Comment: The p.S1602T variant (also known as c.4805G>C), located in coding exon 33 of the SMARCA4 gene, results from a G to C substitution at nucleotide position 4805. The serine at codon 1602 is replaced by threonine, an amino acid with similar properties. This amino acid position is highly conserved in available vertebrate species. In addition, the in silico prediction for this alteration is inconclusive. Based on the available evidence, the clinical significance of this variant remains unclear.